The following is an entry in ClinVar:

ClinVar aggregate classification (germline): Benign. Review status: criteria provided, single submitter (1 of 4 stars). 2 submissions from 2 submitters: Benign (1). 1 of the submissions does not count toward it. Last evaluated 2025-12-25.

Conditions:
PCGF2-related disorder. Also called: PCGF2-related condition.

Allele frequency attached by ClinVar (database versions not stated): TOPMed 0.00002; ESP Exome Variant Server 0.00008; gnomAD 0.00015; gnomAD exomes 0.00031; ExAC 0.00069; 1000 Genomes Project 30x 0.00094; 1000 Genomes Project 0.00100.
gnomAD v4.1: 478 of 1,613,428 alleles (0.03%); highest among the groups gnomAD compares: South Asian, 0.49%; 2 homozygotes.

Submissions (2):

Labcorp Genetics (formerly Invitae), Labcorp
Classification: Benign. Last evaluated: 2025-12-25. Review status: criteria provided, single submitter. Criteria: Invitae Variant Classification Sherloc (09022015). Collection method: clinical testing. Allele origin: germline.

PreventionGenetics, part of Exact Sciences
Classification: Likely benign for PCGF2-related condition. Last evaluated: 2019-04-05. Review status: no assertion criteria provided. Collection method: clinical testing. Allele origin: germline. Not counted in ClinVar's aggregate classification.
Comment: This variant is classified as likely benign based on ACMG/AMP sequence variant interpretation guidelines (Richards et al. 2015 PMID: 25741868, with internal and published modifications).

NM_007144.3(PCGF2):c.414C>T (p.Tyr138=)

Gene: PCGF2 (polycomb group ring finger 2; minus strand). Cytogenetic location: 17q12.
Variant type: single nucleotide variant.
Coding change: c.414C>T on transcript NM_007144.3 (MANE Select); coding-DNA position 414, C replaced by T.
Protein change: p.Tyr138=; no amino-acid change (tyrosine 138 retained).
Molecular consequence: synonymous variant.
Genome position (GRCh38, 1-based): chr17:38,738,764, G>A on the plus strand (C>T on the coding strand, the complement: PCGF2 is on the minus strand). VCF-style: chr17-38738764-G-A. GRCh37 (hg19) VCF-style: chr17-36895017-G-A.
Other names: c.414C>T, p.Tyr138= (NM_001369614.1, NM_001369615.1); c.414C>T (NM_007144.2).
Identifiers: ClinVar variation 2066178 (VCV002066178.6), dbSNP rs139456880, ClinGen allele CA8525008.